The following is an entry in ClinVar:

ClinVar aggregate classification (germline): Likely benign (0 of 4 stars; one submission).

Conditions:
CLIC5-related disorder. Also called: CLIC5-related condition.

gnomAD v4.1: 1 of 1,614,082 alleles (0.000062%); highest among the groups gnomAD compares: Non-Finnish European, 0.000085%; no homozygotes.

Submission:

PreventionGenetics, part of Exact Sciences
Classification: Likely benign for CLIC5-related condition. Last evaluated: 2024-04-19. Review status: no assertion criteria provided. Collection method: clinical testing. Allele origin: germline.
Comment: This variant is classified as likely benign based on ACMG/AMP sequence variant interpretation guidelines (Richards et al. 2015 PMID: 25741868, with internal and published modifications).

NM_016929.5(CLIC5):c.*1G>A

Gene: CLIC5 (chloride intracellular channel 5; minus strand). Cytogenetic location: 6p21.1.
Variant type: single nucleotide variant.
Coding change: c.*1G>A on transcript NM_016929.5 (MANE Select); 1 bases downstream of the stop codon, G replaced by A.
Molecular consequence: 3 prime UTR variant. On other transcripts: non-coding transcript variant (2).
Genome position (GRCh38, 1-based): chr6:45,903,087, C>T on the plus strand (G>A on the coding strand, the complement: CLIC5 is on the minus strand). VCF-style: chr6-45903087-C-T. GRCh37 (hg19) VCF-style: chr6-45870824-C-T.
Other names: c.*1G>A (NM_001114086.2, NM_001370649.1, NM_001370650.1).
Identifiers: ClinVar variation 3345387 (VCV003345387.1).
Genomic context (GRCh38, chr6:45,903,087, plus strand): 5'-CTGGAGTCTTAGGGGAGTGGTTGAGTCCTTCTGCAGCGGGGATGGGGCAAAATGGCTGTG[C>T]TCAGGATCGGCTGAGGCGTTTGGCGACATCAGCGTAGGCCAACTCGATCTCACTGTCAGC-3'